The following is an entry in ClinVar:

NM_012233.3(RAB3GAP1):c.2649C>T (p.Thr883=)

Gene: RAB3GAP1 (RAB3 GTPase activating protein catalytic subunit 1; plus strand). Cytogenetic location: 2q21.3.
Variant type: single nucleotide variant.
Coding change: c.2649C>T on transcript NM_012233.3 (MANE Select); coding-DNA position 2649, C replaced by T.
Protein change: p.Thr883=; no amino-acid change (threonine 883 retained).
Molecular consequence: synonymous variant.
Genome position (GRCh38, 1-based): chr2:135,164,636, C>T. VCF-style: chr2-135164636-C-T. GRCh37 (hg19) VCF-style: chr2-135922206-C-T.
Other names: c.2649C>T, p.Thr883= (NM_001172435.2).
Identifiers: ClinVar variation 2886636 (VCV002886636.11), dbSNP rs755368009, ClinGen allele CA1885150.

ClinVar aggregate classification (germline): Likely benign. Review status: criteria provided, multiple submitters, no conflicts (2 of 4 stars). 2 submissions from 2 submitters: Likely benign (2). Last evaluated 2025-06-01.

Allele frequency attached by ClinVar (database versions not stated): TOPMed 0.00001; gnomAD 0.00003.
gnomAD v4.1: 17 of 1,613,272 alleles (0.0011%); highest among the groups gnomAD compares: African/African-American, 0.0067%; no homozygotes.

Submissions (2):

CeGaT Center for Human Genetics Tuebingen
Classification: Likely benign. Last evaluated: 2025-06-01. Review status: criteria provided, single submitter. Criteria: CeGaT Center For Human Genetics Tuebingen Variant Classification Criteria Version 2. Collection method: clinical testing. Allele origin: germline. Affected: yes. Observed: 1 variant allele.
Comment: RAB3GAP1: BP4, BP7

Labcorp Genetics (formerly Invitae), Labcorp
Classification: Likely benign. Last evaluated: 2024-01-09. Review status: criteria provided, single submitter. Criteria: Invitae Variant Classification Sherloc (09022015). Collection method: clinical testing. Allele origin: germline.